The following is an entry in ClinVar:

NM_005002.5(NDUFA9):c.50G>T (p.Arg17Leu)

Gene: NDUFA9 (NADH:ubiquinone oxidoreductase subunit A9; plus strand). Cytogenetic location: 12p13.32.
Variant type: single nucleotide variant.
Coding change: c.50G>T on transcript NM_005002.5 (MANE Select); coding-DNA position 50, G replaced by T.
Protein change: p.Arg17Leu; replaces arginine 17 with leucine.
Molecular consequence: missense variant.
Genome position (GRCh38, 1-based): chr12:4,654,292, G>T. VCF-style: chr12-4654292-G-T. GRCh37 (hg19) VCF-style: chr12-4763458-G-T.
Other names: short protein forms R17L.
Identifiers: ClinVar variation 1806302 (VCV001806302.3), dbSNP rs769578248, ClinGen allele CA6397988.

ClinVar aggregate classification (germline): Uncertain significance. Review status: criteria provided, multiple submitters, no conflicts (2 of 4 stars). 2 submissions from 2 submitters: Uncertain significance (2). Last evaluated 2025-10-17.

Conditions:
Mitochondrial complex I deficiency, nuclear type 26. Also called: Mitochondrial complex 1 deficiency, nuclear type 26. Identifiers: MedGen C4748809, MONDO:0032630, OMIM 618247.
Leigh syndrome (NULS). Also called: Leigh Disease; Subacute necrotizing encephalopathy; Necrotizing encephalopathy infantile subacute of Leigh; Leigh's necrotizing encephalopathy; Leigh's disease; Leigh's syndrome. Identifiers: Orphanet 506, MedGen C2931891, MONDO:0009723, OMIM 256000.

Allele frequency attached by ClinVar (database versions not stated): TOPMed below 0.00001; ExAC 0.00003; gnomAD 0.00001; gnomAD exomes 0.00001.
gnomAD v4.1: 21 of 1,611,900 alleles (0.0013%); highest among the groups gnomAD compares: Middle Eastern, 0.016%; no homozygotes.

Submissions (2):

Dasa
Classification: Uncertain significance for Leigh syndrome. Last evaluated: 2025-10-17. Review status: criteria provided, single submitter. Criteria: DASA Assertion Criteria. Collection method: clinical testing. Allele origin: germline.
Comment: NM_005002.5(NDUFA9):c.50G>T (p.Arg17Leu) is a missense variant that results in the substitution of arginine with leucine. This variant is rare in population databases. Computational prediction algorithms are consistent with a deleterious effect. The currently available literature and clinical evidence are not sufficient to establish a definitive association between this variant and the reported condition. Therefore, this variant is classified as a variant of uncertain significance.

Victorian Clinical Genetics Services, Murdoch Childrens Research Institute
Classification: Uncertain significance for Mitochondrial complex I deficiency, nuclear type 26. Last evaluated: 2020-05-01. Review status: criteria provided, single submitter. Criteria: ACMG Guidelines, 2015. Collection method: clinical testing. Allele origin: germline. Inheritance: Autosomal recessive inheritance. Affected: yes.
Comment: Based on the classification scheme VCGS_Germline_v1.1.1, this variant is classified as 3B-VUS. Following criteria are met: 0102 - Loss-of-function is a known mechanism of disease for this gene. (N) 0106 - This gene is known to be associated with autosomal recessive disease. (N) 0200 - Variant is predicted to result in a missense amino acid change from arginine to leucine (exon 2). (N) 0251 - Variant is heterozygous. (N) 0304 - Variant is present in gnomAD <0.01 for a recessive condition (8 heterozygotes, 0 homozygotes). (P) 0502 - Missense variant with conflicting in silico predictions and/or uninformative conservation. (N) 0505 - Abnormal splicing is predicted by in silico tools and affected nucleotide is highly conserved. (P) 0604 - Variant is not located in an established domain, motif, hotspot or informative constraint region. (N) 0705 - No comparable variants have previous evidence for pathogenicity. (N) 0807 - Variant has not previously been reported in a clinical context. (N) 0905 - No segregation evidence has been identified for this variant. (N) 1007 - No published functional evidence has been identified for this variant. (N) 1208 - Inheritance information for this variant is not currently available. (N) Legend: (P) - Pathogenic, (N) - Neutral, (B) - Benign